The following is an entry in ClinVar:

NM_138713.4(NFAT5):c.3611C>T (p.Ala1204Val)

Gene: NFAT5 (nuclear factor of activated T cells 5; plus strand). Cytogenetic location: 16q22.1.
Variant type: single nucleotide variant.
Coding change: c.3611C>T on transcript NM_138713.4 (MANE Select); coding-DNA position 3611, C replaced by T.
Protein change: p.Ala1204Val; replaces alanine 1204 with valine.
Molecular consequence: missense variant.
Genome position (GRCh38, 1-based): chr16:69,693,436, C>T. VCF-style: chr16-69693436-C-T. GRCh37 (hg19) VCF-style: chr16-69727339-C-T.
Other names: c.3608C>T, p.Ala1203Val (NM_001113178.3); c.2936C>T, p.Ala979Val (NM_001367709.1); c.3557C>T, p.Ala1186Val (NM_006599.4); c.3329C>T, p.Ala1110Val (NM_138714.4, NM_173214.3, NM_173215.3); short protein forms A1186V, A1203V, A1110V, A1204V, A979V.
Identifiers: ClinVar variation 3020667 (VCV003020667.3), dbSNP rs2037636094, ClinGen allele CA396513393.

ClinVar aggregate classification (germline): Uncertain significance (1 of 4 stars; one submission).

Conditions:
Immunodeficiency. Identifiers: MedGen C0021051, MONDO:0021094, HP:0002721.

Allele frequency attached by ClinVar (database versions not stated): TOPMed below 0.00001.

Submission:

Labcorp Genetics (formerly Invitae), Labcorp
Classification: Uncertain significance for Immunodeficiency. Last evaluated: 2025-12-28. Review status: criteria provided, single submitter. Criteria: Invitae Variant Classification Sherloc (09022015). Collection method: clinical testing. Allele origin: germline.
Comment: This sequence change replaces alanine, which is neutral and non-polar, with valine, which is neutral and non-polar, at codon 1110 of the NFAT5 protein (p.Ala1110Val). This variant is not present in population databases (gnomAD no frequency). This variant has not been reported in the literature in individuals affected with NFAT5-related conditions. ClinVar contains an entry for this variant (Variation ID: 3020667). An algorithm developed to predict the effect of missense changes on protein structure and function (PolyPhen-2) suggests that this variant is likely to be tolerated. In summary, the available evidence is currently insufficient to determine the role of this variant in disease. Therefore, it has been classified as a Variant of Uncertain Significance.